The following is an entry in ClinVar:

ClinVar aggregate classification (germline): Conflicting classifications of pathogenicity. Review status: criteria provided, conflicting classifications (1 of 4 stars). 6 submissions from 6 submitters: Uncertain significance (2); Benign (1); Likely benign (2). 1 of the submissions does not count toward it. Last evaluated 2026-09-17.

Conditions:
Ovarian cancer. Also called: OVARIAN CANCER, SOMATIC. Identifiers: Orphanet 213500, MedGen C1140680, MONDO:0008170, OMIM 167000.
Hereditary cancer-predisposing syndrome. Also called: Tumor predisposition; Hereditary neoplastic syndrome; Neoplastic Syndromes, Hereditary; Hereditary Cancer Syndrome. Identifiers: Orphanet 140162, MedGen C0027672, MeSH D009386, MONDO:0015356.
Gorlin syndrome. Also called: Nevoid Basal Cell Carcinoma Syndrome; Basal cell nevus syndrome. Identifiers: Orphanet 377, MedGen C0004779, MONDO:0007187.
PTCH1-related disorder. Also called: PTCH1-related disorders; PTCH1-related condition.

Allele frequency attached by ClinVar (database versions not stated): TOPMed 0.00003; 1000 Genomes Project 0.00020; 1000 Genomes Project 30x 0.00031; gnomAD 0.00001; gnomAD exomes 0.00002; ExAC 0.00003.
gnomAD v4.1: 33 of 1,614,142 alleles (0.002%); highest among the groups gnomAD compares: East Asian, 0.0045%; no homozygotes.

Submissions (6):

PreventionGenetics, part of Exact Sciences
Classification: Likely benign for PTCH1-related condition. Last evaluated: 2026-09-17. Review status: criteria provided, single submitter. Criteria: ACMG Guidelines, 2015. Collection method: clinical testing. Allele origin: germline.
Comment: This variant is classified as likely benign based on ACMG/AMP sequence variant interpretation guidelines (Richards et al. 2015 PMID: 25741868, with internal and published modifications).

Center for Genomic Medicine, Rigshospitalet, Copenhagen University Hospital
Classification: Uncertain significance. Last evaluated: 2025-12-29. Review status: criteria provided, single submitter. Criteria: ACMG Guidelines, 2015. Collection method: clinical testing. Allele origin: germline.

Labcorp Genetics (formerly Invitae), Labcorp
Classification: Benign for Gorlin syndrome. Last evaluated: 2025-12-03. Review status: criteria provided, single submitter. Criteria: Invitae Variant Classification Sherloc (09022015). Collection method: clinical testing. Allele origin: germline.

Quest Diagnostics Nichols Institute San Juan Capistrano
Classification: Uncertain significance. Last evaluated: 2024-07-03. Review status: criteria provided, single submitter. Criteria: Quest Diagnostics criteria. Collection method: clinical testing. Allele origin: unknown.
Comment: The PTCH1 c.3391G>A (p.Val1131Met) variant has been reported in the published literature in individuals with breast cancer (PMID: 33314633 (2021)) and ovarian cancer (PMID: 38509102 (2024)). The frequency of this variant in the general population, 0.000044 (5/113702 chromosomes (Genome Aggregation Database)), is uninformative in the assessment of its pathogenicity. Analysis of this variant using bioinformatics tools for the prediction of the effect of amino acid changes on protein structure and function yielded conflicting predictions that this variant is benign or damaging. Based on the available information, we are unable to determine the clinical significance of this variant.

Ambry Genetics
Classification: Likely benign for Hereditary cancer-predisposing syndrome. Last evaluated: 2020-07-20. Review status: criteria provided, single submitter. Criteria: Ambry Variant Classification Scheme 2023. Collection method: clinical testing. Allele origin: germline.

Laboratory of Molecular Epidemiology of Birth Defects, West China Second University Hospital, Sichuan University
Classification: Likely pathogenic for Ovarian cancer. Last evaluated: 2022-01-01. Review status: flagged submission. Criteria: ACMG Guidelines, 2015. Collection method: clinical testing. Allele origin: germline. Affected: yes. Not counted in ClinVar's aggregate classification.
ClinVar note: Reason: Claim with insufficient supporting evidence

Literature cited by the submitters: PubMed 38509102 (cited by Quest Diagnostics Nichols Institute San Juan Capistrano); PubMed 33314633 (cited by Quest Diagnostics Nichols Institute San Juan Capistrano).

NM_000264.5(PTCH1):c.3391G>A (p.Val1131Met)

Gene: PTCH1 (patched 1; minus strand). Cytogenetic location: 9q22.32.
Variant type: single nucleotide variant.
Coding change: c.3391G>A on transcript NM_000264.5 (MANE Select); coding-DNA position 3391, G replaced by A.
Protein change: p.Val1131Met; replaces valine 1131 with methionine.
Molecular consequence: missense variant. On other transcripts: non-coding transcript variant (1).
Genome position (GRCh38, 1-based): chr9:95,453,536, C>T on the plus strand (G>A on the coding strand, the complement: PTCH1 is on the minus strand). VCF-style: chr9-95453536-C-T. GRCh37 (hg19) VCF-style: chr9-98215818-C-T.
Other names: c.3391G>A (NM_000264.4); c.3193G>A, p.Val1065Met (NM_001083602.3); c.3388G>A, p.Val1130Met (NM_001083603.3); c.2938G>A, p.Val980Met (NM_001083604.3, NM_001083605.3, NM_001083606.3 and 1 more transcripts); c.3235G>A, p.Val1079Met (NM_001354918.2); short protein forms V1065M, V1131M, V1079M, V980M, V1130M.
Identifiers: ClinVar variation 453850 (VCV000453850.18), dbSNP rs566619057, ClinGen allele CA5138159.
Genomic context (GRCh38, chr9:95,453,536, plus strand): 5'-ACCTGACAATGAAGTCGAACTCAGATCCCGCCAGCATCAGCACTCCCAGCAGAGTGGACA[C>T]GGCGCCATCCAGGACGGGTGCAAACATGTGCTCCAGGGCAAGCACAGCCCTGCGGTTCTT-3'
Protein context (NP_000255.2, residues 1121-1141): HMFAPVLDGA[Val1131Met]STLLGVLMLA